The following is an entry in ClinVar:

NM_000875.5(IGF1R):c.2197C>T (p.Pro733Ser)

Gene: IGF1R (insulin like growth factor 1 receptor; plus strand). Cytogenetic location: 15q26.3.
Variant type: single nucleotide variant.
Coding change: c.2197C>T on transcript NM_000875.5 (MANE Select); coding-DNA position 2197, C replaced by T.
Protein change: p.Pro733Ser; replaces proline 733 with serine.
Molecular consequence: missense variant.
Genome position (GRCh38, 1-based): chr15:98,916,872, C>T. VCF-style: chr15-98916872-C-T. GRCh37 (hg19) VCF-style: chr15-99460101-C-T.
Other names: c.2197C>T, p.Pro733Ser (NM_001291858.2); short protein forms P733S.
Identifiers: ClinVar variation 5009410 (VCV005009410.1).

ClinVar aggregate classification (germline): Uncertain significance (1 of 4 stars; one submission).

Submission:

GeneDx
Classification: Uncertain significance. Last evaluated: 2026-03-18. Review status: criteria provided, single submitter. Criteria: GeneDx Variant Classification Process June 2021. Collection method: clinical testing. Allele origin: germline.
Comment: Not observed at significant frequency in large population cohorts (gnomAD); In silico analysis supports that this missense variant has a deleterious effect on protein structure/function; Has not been previously published as pathogenic or benign to our knowledge